The following is an entry in ClinVar:

NM_000081.4(LYST):c.6775G>A (p.Val2259Ile)

Gene: LYST (lysosomal trafficking regulator; minus strand). Cytogenetic location: 1q42.3.
Variant type: single nucleotide variant.
Coding change: c.6775G>A on transcript NM_000081.4 (MANE Select); coding-DNA position 6775, G replaced by A.
Protein change: p.Val2259Ile; replaces valine 2259 with isoleucine.
Molecular consequence: missense variant.
Genome position (GRCh38, 1-based): chr1:235,759,078, C>T on the plus strand (G>A on the coding strand, the complement: LYST is on the minus strand). VCF-style: chr1-235759078-C-T. GRCh37 (hg19) VCF-style: chr1-235922378-C-T.
Other names: c.6775G>A, p.Val2259Ile (NM_001301365.1); short protein forms V2259I.
Identifiers: ClinVar variation 666163 (VCV000666163.7), dbSNP rs773927032, ClinGen allele CA1466315.

ClinVar aggregate classification (germline): Uncertain significance. Review status: criteria provided, multiple submitters, no conflicts (2 of 4 stars). 3 submissions from 3 submitters: Uncertain significance (3). Last evaluated 2026-04-06.

Conditions:
Chédiak-Higashi syndrome (CHS). Also called: Chediak-Higashi Syndrome. Identifiers: Orphanet 167, MedGen C0007965, MONDO:0008963, OMIM 214500.

Allele frequency attached by ClinVar (database versions not stated): gnomAD 0.00005; 1000 Genomes Project 30x 0.00031.
gnomAD v4.1: 52 of 1,614,178 alleles (0.0032%); highest among the groups gnomAD compares: East Asian, 0.082%; no homozygotes.

Submissions (3):

Women's Health and Genetics/Laboratory Corporation of America, LabCorp
Classification: Uncertain significance. Last evaluated: 2026-04-06. Review status: criteria provided, single submitter. Criteria: LabCorp Variant Classification Summary - May 2015. Collection method: clinical testing. Allele origin: germline.
Comment: Variant summary: LYST c.6775G>A (p.Val2259Ile) results in a conservative amino acid change in the encoded protein sequence. Algorithms developed to predict the effect of missense changes on protein structure and function all suggest that this variant is likely to be tolerated. The variant allele was found at a frequency of 6.4e-05 in 250660 control chromosomes, predominantly at a frequency of 0.00087 within the East Asian subpopulation in the gnomAD database. This frequency is not significantly higher than estimated for disease-causing variants in LYST, allowing no conclusion about variant significance. c.6775G>A has been reported in the literature in individuals affected with Chediak-Higashi Syndrome and hemophagocytic lymphohistiocytosis, without strong evidence for causality (example: Xu_2017,Guan_2021, Stefanucci_2023). These report(s) do not provide unequivocal conclusions about association of the variant with Chediak-Higashi Syndrome. To our knowledge, no experimental evidence demonstrating an impact on protein function has been reported. The following publications have been ascertained in the context of this evaluation (PMID: 27781387, 34170459, 37647632). ClinVar contains an entry for this variant (Variation ID: 666163). Based on the evidence outlined above, the variant was classified as uncertain significance.

Labcorp Genetics (formerly Invitae), Labcorp
Classification: Uncertain significance for Chédiak-Higashi syndrome. Last evaluated: 2024-08-12. Review status: criteria provided, single submitter. Criteria: Invitae Variant Classification Sherloc (09022015). Collection method: clinical testing. Allele origin: germline.
Comment: This sequence change replaces valine, which is neutral and non-polar, with isoleucine, which is neutral and non-polar, at codon 2259 of the LYST protein (p.Val2259Ile). This variant is present in population databases (rs773927032, gnomAD 0.09%). This missense change has been observed in individual(s) with LYST-related conditions (PMID: 27781387, 34170459). ClinVar contains an entry for this variant (Variation ID: 666163). Advanced modeling of protein sequence and biophysical properties (such as structural, functional, and spatial information, amino acid conservation, physicochemical variation, residue mobility, and thermodynamic stability) performed at Invitae indicates that this missense variant is not expected to disrupt LYST protein function with a negative predictive value of 80%. In summary, the available evidence is currently insufficient to determine the role of this variant in disease. Therefore, it has been classified as a Variant of Uncertain Significance.

Blueprint Genetics
Classification: Uncertain significance. Last evaluated: 2024-03-21. Review status: criteria provided, single submitter. Criteria: ACMG Guidelines, 2015. Collection method: clinical testing. Allele origin: germline.

Literature cited by the submitters: PubMed 34170459 (cited by Women's Health and Genetics/Laboratory Corporation of America, LabCorp and Labcorp Genetics (formerly Invitae), Labcorp); PubMed 27781387 (cited by Women's Health and Genetics/Laboratory Corporation of America, LabCorp and Labcorp Genetics (formerly Invitae), Labcorp); PubMed 37647632 (cited by Women's Health and Genetics/Laboratory Corporation of America, LabCorp).